The following is an entry in ClinVar:

NM_144966.5(FREM1):c.*758T>A

Gene: FREM1 (FRAS1 related extracellular matrix 1; minus strand). Cytogenetic location: 9p22.3.
Variant type: single nucleotide variant.
Coding change: c.*758T>A on transcript NM_144966.5; 758 bases downstream of the stop codon, T replaced by A.
Genome position (GRCh38, 1-based): chr9:14,736,638, A>T on the plus strand (T>A on the coding strand, the complement: FREM1 is on the minus strand). VCF-style: chr9-14736638-A-T. GRCh37 (hg19) VCF-style: chr9-14736636-A-T.
Identifiers: ClinVar variation 366087 (VCV000366087.8), dbSNP rs62534322, ClinGen allele CA10633424.

ClinVar aggregate classification (germline): Benign. Review status: criteria provided, multiple submitters, no conflicts (2 of 4 stars). 2 submissions from 2 submitters: Benign (2). Last evaluated 2018-01-13.

Conditions:
Oculotrichoanal syndrome (MOTA). Also called: MARLES SYNDROME; Manitoba Oculotrichoanal (MOTA) Syndrome. Identifiers: Orphanet 2717, MedGen C1855425, MONDO:0009560, OMIM 248450.

Allele frequency attached by ClinVar (database versions not stated): gnomAD 0.03497 and 0.03376; gnomAD exomes 0.12500; 1000 Genomes Project 30x 0.01499; 1000 Genomes Project 0.01458; TOPMed 0.03198.

Submissions (2):

Illumina Laboratory Services, Illumina
Classification: Benign for Oculotrichoanal syndrome. Last evaluated: 2018-01-13. Review status: criteria provided, single submitter. Criteria: ICSL Variant Classification Criteria 13 December 2019. Collection method: clinical testing. Allele origin: germline.
Comment: This variant was observed in the ICSL laboratory as part of a predisposition screen in an ostensibly healthy population. It had not been previously curated by ICSL or reported in the Human Gene Mutation Database (HGMD: prior to June 1st, 2018), and was therefore a candidate for classification through an automated scoring system. Utilizing variant allele frequency, disease prevalence and penetrance estimates, and inheritance mode, an automated score was calculated to assess if this variant is too frequent to cause the disease. Based on the score and internal cut-off values, a variant classified as benign is not then subjected to further curation. The score for this variant resulted in a classification of benign for this disease.

Breakthrough Genomics
Classification: Benign. Review status: criteria provided, single submitter. Criteria: ACMG Guidelines, 2015. Collection method: not provided. Allele origin: germline. Inheritance: Autosomal recessive inheritance. Affected: yes.